The following is an entry in ClinVar:

NM_022168.4(IFIH1):c.658G>T (p.Val220Leu)

Gene: IFIH1 (interferon induced with helicase C domain 1; minus strand). Cytogenetic location: 2q24.2.
Variant type: single nucleotide variant.
Coding change: c.658G>T on transcript NM_022168.4 (MANE Select); coding-DNA position 658, G replaced by T.
Protein change: p.Val220Leu; replaces valine 220 with leucine.
Molecular consequence: missense variant.
Genome position (GRCh38, 1-based): chr2:162,306,820, C>A on the plus strand (G>T on the coding strand, the complement: IFIH1 is on the minus strand). VCF-style: chr2-162306820-C-A. GRCh37 (hg19) VCF-style: chr2-163163330-C-A.
Other names: short protein forms V220L.
Identifiers: ClinVar variation 4848695 (VCV004848695.1).

ClinVar aggregate classification (germline): Uncertain significance (1 of 4 stars; one submission).

Submission:

Women's Health and Genetics/Laboratory Corporation of America, LabCorp
Classification: Uncertain significance. Last evaluated: 2026-04-10. Review status: criteria provided, single submitter. Criteria: LabCorp Variant Classification Summary - May 2015. Collection method: clinical testing. Allele origin: germline.
Comment: Variant summary: IFIH1 c.658G>T (p.Val220Leu) results in a conservative amino acid change in the encoded protein sequence. Algorithms developed to predict the effect of missense changes on protein structure and function all suggest that this variant is likely to be tolerated. The variant was absent in 251264 control chromosomes. The available data on variant occurrences in the general population are insufficient to allow any conclusion about variant significance. To our knowledge, no occurrence of c.658G>T in individuals affected with IFIH1-related conditions and no experimental evidence demonstrating its impact on protein function have been reported. No submitters have cited clinical-significance assessments for this variant to ClinVar. Based on the evidence outlined above, the variant was classified as uncertain significance.